The following is an entry in ClinVar:

NC_000002.11:g.(?_44001278)_(44010713_?)dup

Gene: DYNC2LI1 (dynein cytoplasmic 2 light intermediate chain 1; plus strand). Cytogenetic location: 2p21.
Variant type: Duplication.
Identifiers: ClinVar variation 1401325 (VCV001401325.4).

ClinVar aggregate classification (germline): Uncertain significance (1 of 4 stars; one submission).

Submission:

Labcorp Genetics (formerly Invitae), Labcorp
Classification: Uncertain significance. Last evaluated: 2021-06-12. Review status: criteria provided, single submitter. Criteria: Invitae Variant Classification Sherloc (09022015). Collection method: clinical testing. Allele origin: germline.
Comment: This variant has not been reported in the literature in individuals with DYNC2LI1-related conditions. In summary, the available evidence is currently insufficient to determine the role of this variant in disease. Therefore, it has been classified as a Variant of Uncertain Significance. This variant results in a copy number gain of the genomic region encompassing exon(s) 1-3 of the DYNC2LI1 gene. This region includes the initiator codon of the gene. The 5' end of this event is unknown as it extends beyond the assayed region for this gene and therefore may encompass additional genes. The 3' boundary is likely confined to intron 3 of the DYNC2LI1 gene. As the precise location of this event is unknown, it may be in tandem or it may be located elsewhere in the genome.